The following is an entry in ClinVar:

ClinVar aggregate classification (germline): Uncertain significance (1 of 4 stars; one submission).

Submission:

Labcorp Genetics (formerly Invitae), Labcorp
Classification: Uncertain significance. Last evaluated: 2022-04-25. Review status: criteria provided, single submitter. Criteria: Invitae Variant Classification Sherloc (09022015). Collection method: clinical testing. Allele origin: germline.
Comment: ClinVar contains an entry for this variant (Variation ID: 1056799). In summary, the available evidence is currently insufficient to determine the role of this variant in disease. Therefore, it has been classified as a Variant of Uncertain Significance. Algorithms developed to predict the effect of missense changes on protein structure and function are either unavailable or do not agree on the potential impact of this missense change (SIFT: "Deleterious"; PolyPhen-2: "Benign"; Align-GVGD: "Class C0"). This variant has not been reported in the literature in individuals affected with MAPKAPK3-related conditions. This variant is not present in population databases (gnomAD no frequency). This sequence change replaces alanine, which is neutral and non-polar, with valine, which is neutral and non-polar, at codon 181 of the MAPKAPK3 protein (p.Ala181Val).

NM_001243925.2(MAPKAPK3):c.542C>T (p.Ala181Val)

Gene: MAPKAPK3 (MAPK activated protein kinase 3; plus strand). Cytogenetic location: 3p21.2.
Variant type: single nucleotide variant.
Coding change: c.542C>T on transcript NM_001243925.2 (MANE Select); coding-DNA position 542, C replaced by T.
Protein change: p.Ala181Val; replaces alanine 181 with valine.
Molecular consequence: missense variant.
Genome position (GRCh38, 1-based): chr3:50,644,446, C>T. VCF-style: chr3-50644446-C-T. GRCh37 (hg19) VCF-style: chr3-50681877-C-T.
Other names: c.542C>T, p.Ala181Val (NM_001243926.2, NM_004635.5); short protein forms A181V.
Identifiers: ClinVar variation 1056799 (VCV001056799.5), dbSNP rs944547158, ClinGen allele CA74626755.
Genomic context (GRCh38, chr3:50,644,446, plus strand): 5'-AATGTTTTCTCTTTCTGGCCCAGCCTGAAAACCTACTCTACACATCTAAGGAGAAAGACG[C>T]AGTGCTTAAGCTCACCGATTTTGGCTTTGCTAAGGAGACCACCCAAAATGCCCTGCAGAC-3'
Protein context (NP_001230854.1, residues 171-191): NLLYTSKEKD[Ala181Val]VLKLTDFGFA